The following is an entry in ClinVar:

ClinVar aggregate classification (germline): Pathogenic (1 of 4 stars; one submission).

Submission:

GeneDx
Classification: Pathogenic. Last evaluated: 2019-02-20. Review status: criteria provided, single submitter. Criteria: GeneDx Variant Classification (06012015). Collection method: clinical testing. Allele origin: germline. Affected: yes.
Comment: The R319X variant in the PHF6 gene has been reported previously as a de novo variant in association with Borjeson-Forssman-Lehmann syndrome (Zweier et al., 2013). This variant is predicted to cause loss of normal protein function through protein truncation. The R319X variant is not observed in large population cohorts (Lek et al., 2016). We interpret R319X as a pathogenic variant.

NM_001015877.2(PHF6):c.955C>T (p.Arg319Ter)

Gene: PHF6 (PHD finger protein 6; plus strand). Cytogenetic location: Xq26.2.
Variant type: single nucleotide variant.
Coding change: c.955C>T on transcript NM_001015877.2 (MANE Select); coding-DNA position 955, C replaced by T.
Protein change: p.Arg319Ter; replaces arginine 319 with a stop codon.
Molecular consequence: nonsense.
Genome position (GRCh38, 1-based): chrX:134,417,289, C>T. VCF-style: chrX-134417289-C-T. GRCh37 (hg19) VCF-style: chrX-133551319-C-T.
Other names: c.955C>T, p.Arg319Ter (NM_032458.3); short protein forms R319*.
Identifiers: ClinVar variation 816948 (VCV000816948.1), dbSNP rs1602717803, ClinGen allele CA414707937.